The following is an entry in ClinVar:

ClinVar aggregate classification (germline): Uncertain significance (1 of 4 stars; one submission).

Conditions:
Hereditary cancer-predisposing syndrome. Also called: Tumor predisposition; Neoplastic Syndromes, Hereditary; Hereditary Cancer Syndrome; Hereditary neoplastic syndrome. Identifiers: Orphanet 140162, MedGen C0027672, MeSH D009386, MONDO:0015356.

gnomAD v4.1: 1 of 1,598,764 alleles (0.000063%); highest among the groups gnomAD compares: Non-Finnish European, 0.000085%; no homozygotes.

Submission:

Ambry Genetics
Classification: Uncertain significance for Hereditary cancer-predisposing syndrome. Last evaluated: 2024-07-01. Review status: criteria provided, single submitter. Criteria: Ambry Variant Classification Scheme 2023. Collection method: clinical testing. Allele origin: germline.
Comment: The p.L228F variant (also known as c.684G>C), located in coding exon 6 of the FANCC gene, results from a G to C substitution at nucleotide position 684. The leucine at codon 228 is replaced by phenylalanine, an amino acid with highly similar properties. This amino acid position is conserved. In addition, this alteration is predicted to be tolerated by in silico analysis. Based on the available evidence, the clinical significance of this variant remains unclear.

NM_000136.3(FANCC):c.684G>C (p.Leu228Phe)

Genes: AOPEP (aminopeptidase O (putative); plus strand), FANCC (FA complementation group C; minus strand). Cytogenetic location: 9q22.32.
Variant type: single nucleotide variant.
Coding change: c.684G>C on transcript NM_000136.3 (MANE Select); coding-DNA position 684, G replaced by C.
Protein change: p.Leu228Phe; replaces leucine 228 with phenylalanine.
Molecular consequence: missense variant.
Genome position (GRCh38, 1-based): chr9:95,149,925, C>G on the plus strand (G>C on the coding strand, the complement: FANCC is on the minus strand). VCF-style: chr9-95149925-C-G. GRCh37 (hg19) VCF-style: chr9-97912207-C-G.
Other names: c.684G>C, p.Leu228Phe (NM_001243743.2, NM_001243744.2); short protein forms L228F.
Identifiers: ClinVar variation 3512763 (VCV003512763.1).